The following is an entry in ClinVar:

ClinVar aggregate classification (germline): Likely pathogenic (1 of 4 stars; one submission).

Conditions:
Marfan syndrome (MFS). Also called: MARFAN SYNDROME, TYPE I; Marfan syndrome type 1; Marfan's syndrome; Marfan syndrome, classic; FBN1-Related Marfan Syndrome. Identifiers: Orphanet 284963, Orphanet 558, MedGen C0024796, MONDO:0007947, OMIM 154700.

Submission:

3billion
Classification: Likely pathogenic for Marfan syndrome. Last evaluated: 2024-01-30. Review status: criteria provided, single submitter. Criteria: ACMG Guidelines, 2015. Collection method: clinical testing. Allele origin: germline. Affected: yes.
Comment: The variant is not observed in the gnomAD v2.1.1 dataset. Predicted Consequence/Location: Frameshift: predicted to result in a loss or disruption of normal protein function through nonsense-mediated decay (NMD) or protein truncation. Multiple pathogenic variants are reported downstream of the variant. Therefore, this variant is classified as Likely pathogenic according to the recommendation of ACMG/AMP guideline.

NM_000138.5(FBN1):c.482_483del (p.Val161fs)

Gene: FBN1 (fibrillin 1; minus strand). Cytogenetic location: 15q21.1.
Variant type: Microsatellite.
Coding change: c.482_483del on transcript NM_000138.5 (MANE Select); coding-DNA positions 482 to 483, 2 bases deleted (TG; older notation c.482_483delTG).
Protein change: p.Val161fs; shifts the reading frame from valine 161.
Molecular consequence: frameshift variant.
Genome position (GRCh38, 1-based): chr15:48,596,338-48,596,339, CA deleted on the plus strand (TG on the coding strand, the reverse complement: FBN1 is on the minus strand); deleting any 2 consecutive bases within chr15:48,596,338-48,596,344 gives the same sequence; the c. name uses the placement nearest the transcript's 3' end. VCF-style (leftmost placement, unchanged base first): chr15-48596337-CCA-C. GRCh37 (hg19) VCF-style: chr15-48888534-CCA-C.
Other names: c.482_483del, p.Val161fs (NM_001406716.1, NM_001406717.1); short protein forms V161fs.
Identifiers: ClinVar variation 3775513 (VCV003775513.1).